The following is an entry in ClinVar:

ClinVar aggregate classification (germline): Conflicting classifications of pathogenicity. Review status: criteria provided, conflicting classifications (1 of 4 stars). 4 submissions from 4 submitters: Uncertain significance (3); Likely benign (1). Last evaluated 2025-05-07.

Conditions:
CHRNG-related disorder. Also called: CHRNG-related condition; CHRNG-related disorders.
Inborn genetic diseases. Identifiers: MedGen C0950123, MeSH D030342.
Autosomal recessive multiple pterygium syndrome. Also called: PTERYGIUM COLLI SYNDROME; PTERYGIUM SYNDROME; PTERYGIUM UNIVERSALE; MULTIPLE PTERYGIUM SYNDROME, ESCOBAR VARIANT. Identifiers: Orphanet 2990, MedGen C0265261, MONDO:0009926, OMIM 265000.

Allele frequency attached by ClinVar (database versions not stated): gnomAD exomes 0.00003 and 0.00012; ExAC 0.00004; gnomAD 0.00018 and 0.00019; TOPMed 0.00022.
gnomAD v4.1: 75 of 1,614,040 alleles (0.0046%); highest among the groups gnomAD compares: Admixed American, 0.1%; no homozygotes.

Submissions (4):

PreventionGenetics, part of Exact Sciences
Classification: Uncertain significance for CHRNG-related condition. Last evaluated: 2025-05-07. Review status: criteria provided, single submitter. Criteria: ACMG Guidelines, 2015. Collection method: clinical testing. Allele origin: germline.
Comment: The CHRNG c.439C>T variant is predicted to result in the amino acid substitution p.Arg147Cys. To our knowledge, this variant has not been reported in the literature. This variant is reported in 0.081% of alleles in individuals of Latino descent in gnomAD. Although we suspect that this variant may be benign, at this time, the clinical significance of this variant is uncertain due to the absence of conclusive functional and genetic evidence.

Labcorp Genetics (formerly Invitae), Labcorp
Classification: Likely benign. Last evaluated: 2024-07-08. Review status: criteria provided, single submitter. Criteria: Invitae Variant Classification Sherloc (09022015). Collection method: clinical testing. Allele origin: germline.

Ambry Genetics
Classification: Uncertain significance for Inborn genetic diseases. Last evaluated: 2022-07-26. Review status: criteria provided, single submitter. Criteria: Ambry Variant Classification Scheme 2023. Collection method: clinical testing. Allele origin: germline.

New York Genome Center
Classification: Uncertain significance for Autosomal recessive multiple pterygium syndrome. Last evaluated: 2019-05-31. Review status: criteria provided, single submitter. Criteria: NYGC Assertion Criteria 2020. Collection method: clinical testing. Allele origin: germline. Observed: 1 heterozygote. Study: CSER-NYCKidSeq.

NM_005199.5(CHRNG):c.439C>T (p.Arg147Cys)

Gene: CHRNG (cholinergic receptor nicotinic gamma subunit; plus strand). Cytogenetic location: 2q37.1.
Variant type: single nucleotide variant.
Coding change: c.439C>T on transcript NM_005199.5 (MANE Select); coding-DNA position 439, C replaced by T.
Protein change: p.Arg147Cys; replaces arginine 147 with cysteine.
Molecular consequence: missense variant.
Genome position (GRCh38, 1-based): chr2:232,541,462, C>T. VCF-style: chr2-232541462-C-T. GRCh37 (hg19) VCF-style: chr2-233406172-C-T.
Other names: short protein forms R147C.
Identifiers: ClinVar variation 983419 (VCV000983419.8), dbSNP rs754928609, ClinGen allele CA2168665.
Genomic context (GRCh38, chr2:232,541,462, plus strand): 5'-TACTGCAATGTGCTCGTGTCCCCTGACGGCTGTATCTACTGGCTGCCGCCTGCCATCTTC[C>T]GTTCCGCCTGCTCTATCTCAGTCACCTACTTCCCCTTCGACTGGCAGAACTGCTCCCTTA-3'
Protein context (NP_005190.4, residues 137-157): CIYWLPPAIF[Arg147Cys]SACSISVTYF